The following is an entry in ClinVar:

ClinVar aggregate classification (germline): Uncertain significance (1 of 4 stars; one submission).

Allele frequency attached by ClinVar (database versions not stated): TOPMed 0.00001; gnomAD 0.00001.
gnomAD v4.1: 3 of 1,613,218 alleles (0.00019%); highest among the groups gnomAD compares: Non-Finnish European, 0.00025%; no homozygotes.

Submission:

Labcorp Genetics (formerly Invitae), Labcorp
Classification: Uncertain significance. Last evaluated: 2022-08-16. Review status: criteria provided, single submitter. Criteria: Invitae Variant Classification Sherloc (09022015). Collection method: clinical testing. Allele origin: germline.
Comment: This sequence change replaces leucine, which is neutral and non-polar, with valine, which is neutral and non-polar, at codon 198 of the ADGRV1 protein (p.Leu198Val). This variant is present in population databases (no rsID available, gnomAD 0.007%). This variant has not been reported in the literature in individuals affected with ADGRV1-related conditions. ClinVar contains an entry for this variant (Variation ID: 1394177). Algorithms developed to predict the effect of missense changes on protein structure and function are either unavailable or do not agree on the potential impact of this missense change (SIFT: "Deleterious"; PolyPhen-2: "Possibly Damaging"; Align-GVGD: "Class C0"). Algorithms developed to predict the effect of sequence changes on RNA splicing suggest that this variant may create or strengthen a splice site. In summary, the available evidence is currently insufficient to determine the role of this variant in disease. Therefore, it has been classified as a Variant of Uncertain Significance.

NM_032119.4(ADGRV1):c.592T>G (p.Leu198Val)

Gene: ADGRV1 (adhesion G protein-coupled receptor V1; plus strand). Cytogenetic location: 5q14.3.
Variant type: single nucleotide variant.
Coding change: c.592T>G on transcript NM_032119.4 (MANE Select); coding-DNA position 592, T replaced by G.
Protein change: p.Leu198Val; replaces leucine 198 with valine.
Molecular consequence: missense variant. On other transcripts: non-coding transcript variant (1).
Genome position (GRCh38, 1-based): chr5:90,625,163, T>G. VCF-style: chr5-90625163-T-G. GRCh37 (hg19) VCF-style: chr5-89920980-T-G.
Other names: short protein forms L198V.
Identifiers: ClinVar variation 1394177 (VCV001394177.3), dbSNP rs747403211, ClinGen allele CA360364378.